The following is an entry in ClinVar:

NM_000400.4(ERCC2):c.880G>A (p.Glu294Lys)

Gene: ERCC2 (ERCC excision repair 2, TFIIH core complex helicase subunit; minus strand). Cytogenetic location: 19q13.32.
Variant type: single nucleotide variant.
Coding change: c.880G>A on transcript NM_000400.4 (MANE Select); coding-DNA position 880, G replaced by A.
Protein change: p.Glu294Lys; replaces glutamic acid 294 with lysine.
Molecular consequence: missense variant.
Genome position (GRCh38, 1-based): chr19:45,364,055, C>T on the plus strand (G>A on the coding strand, the complement: ERCC2 is on the minus strand). VCF-style: chr19-45364055-C-T. GRCh37 (hg19) VCF-style: chr19-45867313-C-T.
Other names: c.808G>A, p.Glu270Lys (NM_001130867.2); short protein forms E270K, E294K.
Identifiers: ClinVar variation 1764754 (VCV001764754.2), dbSNP rs1169596580, ClinGen allele CA406373581.
Genomic context (GRCh38, chr19:45,364,055, plus strand): 5'-CTTCGTCGGGCAGCACGGGGTTGGCCAGGTGGGCGTCCGTCTCCCGGGCGGCGCTGGCCT[C>T]CCGCAGCCCCTCCACCAGACGCCGGTACTCGTCCCGCAGGCGCTGCTCGTCTGTCTCTTT-3'
Protein context (NP_000391.1, residues 284-304): EYRRLVEGLR[Glu294Lys]ASAARETDAH

ClinVar aggregate classification (germline): Uncertain significance (1 of 4 stars; one submission).

Conditions:
Inborn genetic diseases. Identifiers: MedGen C0950123, MeSH D030342.

Allele frequency attached by ClinVar (database versions not stated): gnomAD exomes 0.00001; TOPMed 0.00001.

Submission:

Ambry Genetics
Classification: Uncertain significance for Inborn genetic diseases. Last evaluated: 2021-08-19. Review status: criteria provided, single submitter. Criteria: Ambry Variant Classification Scheme 2023. Collection method: clinical testing. Allele origin: germline.
Comment: The p.E294K variant (also known as c.880G>A), located in coding exon 10 of the ERCC2 gene, results from a G to A substitution at nucleotide position 880. The glutamic acid at codon 294 is replaced by lysine, an amino acid with similar properties. This amino acid position is conserved. In addition, the in silico prediction for this alteration is inconclusive. Since supporting evidence is limited at this time, the clinical significance of this alteration remains unclear.